The following is an entry in ClinVar:

NM_001369.3(DNAH5):c.9551del (p.Gly3184fs)

Gene: DNAH5 (dynein axonemal heavy chain 5; minus strand). Cytogenetic location: 5p15.2.
Variant type: Deletion.
Coding change: c.9551del on transcript NM_001369.3 (MANE Select); coding-DNA position 9551, one base deleted (G; older notation c.9551delG).
Protein change: p.Gly3184fs; shifts the reading frame from glycine 3184.
Molecular consequence: frameshift variant.
Genome position (GRCh38, 1-based): chr5:13,770,803, C deleted on the plus strand (G on the coding strand, the reverse complement: DNAH5 is on the minus strand); the first of 3 consecutive C bases (chr5:13,770,803-13,770,805); deleting any one gives the same sequence. VCF-style (leftmost placement, unchanged base first): chr5-13770802-GC-G. GRCh37 (hg19) VCF-style: chr5-13770911-GC-G.
Other names: short protein forms G3184fs.
Identifiers: ClinVar variation 4814922 (VCV004814922.1).

ClinVar aggregate classification (germline): Likely pathogenic (1 of 4 stars; one submission).

Conditions:
Primary ciliary dyskinesia. Also called: Ciliary dyskinesia. Identifiers: Orphanet 244, MedGen C0008780, MONDO:0016575, HP:0012265.

Submission:

Natera, Inc.
Classification: Likely pathogenic for Primary ciliary dyskinesia. Last evaluated: 2024-03-26. Review status: criteria provided, single submitter. Criteria: Natera Variant Classification Schema (03/2026). Collection method: clinical testing. Allele origin: germline.
Comment: The c.9551delG variant in DNAH5 is a frameshift variant predicted to shift the reading frame beginning at codon 3184 and leads to a stop codon 20 codons downstream. This variant is expected to result in nonsense mediated decay, truncation, or a dysfunctional protein product. This variant is rare in the general population with a frequency below the threshold expected for the associated phenotype(s). Given the available evidence, this variant is classified as Likely Pathogenic.